The following is an entry in ClinVar:

ClinVar aggregate classification (germline): Conflicting classifications of pathogenicity. Review status: criteria provided, conflicting classifications (1 of 4 stars). 4 submissions from 4 submitters: Uncertain significance (3); Likely benign (1). Last evaluated 2025-12-03.

Conditions:
Hereditary von Willebrand disease. Identifiers: Orphanet 903, MedGen C5703318, MONDO:0019565. Inheritance: Autosomal recessive or Autosomal dominant.

Allele frequency attached by ClinVar (database versions not stated): gnomAD exomes 0.00007 and 0.00011; ExAC 0.00008; 1000 Genomes Project 30x 0.00016; 1000 Genomes Project 0.00020; gnomAD 0.00026 and 0.00033; TOPMed 0.00033; ESP Exome Variant Server 0.00046.
gnomAD v4.1: 148 of 1,613,838 alleles (0.0092%); highest among the groups gnomAD compares: African/African-American, 0.096%; no homozygotes.

Submissions (4):

Women's Health and Genetics/Laboratory Corporation of America, LabCorp
Classification: Likely benign. Last evaluated: 2025-12-03. Review status: criteria provided, single submitter. Criteria: LabCorp Variant Classification Summary - May 2015. Collection method: clinical testing. Allele origin: germline.

Quest Diagnostics Nichols Institute San Juan Capistrano
Classification: Uncertain significance. Last evaluated: 2025-03-10. Review status: criteria provided, single submitter. Criteria: Quest Diagnostics criteria. Collection method: clinical testing. Allele origin: unknown.
Comment: The VWF c.874+7C>T variant has not been reported in individuals with VWF-related conditions in the published literature. The frequency of this variant in the general population (Genome Aggregation Database) is uninformative in the assessment of its pathogenicity. Analysis of this variant using software algorithms for the prediction of the effect of nucleotide changes on splicing yielded predictions that this variant does not affect VWF mRNA splicing. Based on the available information, we are unable to determine the clinical significance of this variant.

Genetic Services Laboratory, University of Chicago
Classification: Uncertain significance. Last evaluated: 2018-12-19. Review status: criteria provided, single submitter. Criteria: ACMG Guidelines, 2015. Collection method: clinical testing. Allele origin: germline. Affected: no.

Illumina Laboratory Services, Illumina
Classification: Uncertain significance for von Willebrand disorder. Last evaluated: 2018-01-15. Review status: criteria provided, single submitter. Criteria: ICSL Variant Classification Criteria 13 December 2019. Collection method: clinical testing. Allele origin: germline.

NM_000552.5(VWF):c.874+7C>T

Gene: VWF (von Willebrand factor; minus strand). Cytogenetic location: 12p13.31.
Variant type: single nucleotide variant.
Coding change: c.874+7C>T on transcript NM_000552.5 (MANE Select); 7 bases into the intron after coding-DNA position 874, C replaced by T.
Molecular consequence: intron variant.
Genome position (GRCh38, 1-based): chr12:6,075,328, G>A on the plus strand (C>T on the coding strand, the complement: VWF is on the minus strand). VCF-style: chr12-6075328-G-A. GRCh37 (hg19) VCF-style: chr12-6184494-G-A.
Other names: c.874+7C>T (NM_000552.4).
Identifiers: ClinVar variation 883742 (VCV000883742.10), dbSNP rs201187598, ClinGen allele CA6403664.